The following is an entry in ClinVar:

ClinVar aggregate classification (germline): Uncertain significance (1 of 4 stars; one submission).

Conditions:
Ulnar-mammary syndrome (UMS). Also called: SCHINZEL SYNDROME; PALLISTER ULNAR-MAMMARY SYNDROME; Ulnar-mammary syndrome of Pallister. Identifiers: Orphanet 3138, MedGen C1866994, MONDO:0008411, OMIM 181450.

Allele frequency attached by ClinVar (database versions not stated): gnomAD exomes below 0.00001; TOPMed below 0.00001.
gnomAD v4.1: 2 of 1,578,218 alleles (0.00013%); highest among the groups gnomAD compares: East Asian, 0.0023%; no homozygotes.

Submission:

Labcorp Genetics (formerly Invitae), Labcorp
Classification: Uncertain significance for Ulnar-mammary syndrome. Last evaluated: 2023-05-15. Review status: criteria provided, single submitter. Criteria: Invitae Variant Classification Sherloc (09022015). Collection method: clinical testing. Allele origin: germline.
Comment: In summary, the available evidence is currently insufficient to determine the role of this variant in disease. Therefore, it has been classified as a Variant of Uncertain Significance. An algorithm developed to predict the effect of missense changes on protein structure and function (PolyPhen-2) suggests that this variant is likely to be tolerated. This variant has not been reported in the literature in individuals affected with TBX3-related conditions. This variant is not present in population databases (gnomAD no frequency). This sequence change replaces alanine, which is neutral and non-polar, with threonine, which is neutral and polar, at codon 555 of the TBX3 protein (p.Ala555Thr).

NM_005996.4(TBX3):c.1663G>A (p.Ala555Thr)

Gene: TBX3 (T-box transcription factor 3; minus strand). Cytogenetic location: 12q24.21.
Variant type: single nucleotide variant.
Coding change: c.1663G>A on transcript NM_005996.4 (MANE Select); coding-DNA position 1663, G replaced by A.
Protein change: p.Ala555Thr; replaces alanine 555 with threonine.
Molecular consequence: missense variant.
Genome position (GRCh38, 1-based): chr12:114,674,212, C>T on the plus strand (G>A on the coding strand, the complement: TBX3 is on the minus strand). VCF-style: chr12-114674212-C-T. GRCh37 (hg19) VCF-style: chr12-115112017-C-T.
Other names: c.1723G>A, p.Ala575Thr (NM_016569.4); short protein forms A555T, A575T.
Identifiers: ClinVar variation 2990961 (VCV002990961.3), dbSNP rs1156821376, ClinGen allele CA386868487.